The following is an entry in ClinVar:

NM_000435.3(NOTCH3):c.1615G>C (p.Gly539Arg)

Gene: NOTCH3 (notch receptor 3; minus strand). Cytogenetic location: 19p13.12.
Variant type: single nucleotide variant.
Coding change: c.1615G>C on transcript NM_000435.3 (MANE Select); coding-DNA position 1615, G replaced by C.
Protein change: p.Gly539Arg; replaces glycine 539 with arginine.
Molecular consequence: missense variant.
Genome position (GRCh38, 1-based): chr19:15,187,330, C>G on the plus strand (G>C on the coding strand, the complement: NOTCH3 is on the minus strand). VCF-style: chr19-15187330-C-G. GRCh37 (hg19) VCF-style: chr19-15298141-C-G.
Other names: short protein forms G539R.
Identifiers: ClinVar variation 4057137 (VCV004057137.1).

ClinVar aggregate classification (germline): Uncertain significance (1 of 4 stars; one submission).

Submission:

GeneDx
Classification: Uncertain significance. Last evaluated: 2025-01-09. Review status: criteria provided, single submitter. Criteria: GeneDx Variant Classification Process June 2021. Collection method: clinical testing. Allele origin: germline. Affected: yes.
Comment: Not observed at significant frequency in large population cohorts (gnomAD); In silico analysis supports that this missense variant has a deleterious effect on protein structure/function; Has not been previously published as pathogenic or benign to our knowledge